The following is an entry in ClinVar:

NM_000330.4(RS1):c.467G>A (p.Arg156Lys)

Genes: CDKL5 (cyclin dependent kinase like 5; plus strand), RS1 (retinoschisin 1; minus strand). Cytogenetic location: Xp22.13.
Variant type: single nucleotide variant.
Coding change: c.467G>A on transcript NM_000330.4 (MANE Select); coding-DNA position 467, G replaced by A.
Protein change: p.Arg156Lys; replaces arginine 156 with lysine.
Molecular consequence: missense variant. On other transcripts: intron variant (2).
Genome position (GRCh38, 1-based): chrX:18,644,485, C>T on the plus strand (G>A on the coding strand, the complement: RS1 is on the minus strand). VCF-style: chrX-18644485-C-T. GRCh37 (hg19) VCF-style: chrX-18662605-C-T.
Other names: c.2714-1522C>T (NM_003159.3, NM_001037343.2); short protein forms R156K.
Identifiers: ClinVar variation 1463610 (VCV001463610.8), dbSNP rs2147191184, ClinGen allele CA412371514.
Genomic context (GRCh38, chrX:18,644,485, plus strand): 5'-CTTACCCGGTTGTTTCCAGTCTGGTCCTTGTAGTAAATCCAGTTCAGGCGCTCATCGGTC[C>T]TGTACTGCACGCTGTACTTGGTCATCCACTCATCGATGTCACAGCGCCCCTGGGTGAGGA-3'
Protein context (NP_000321.1, residues 146-166): EWMTKYSVQY[Arg156Lys]TDERLNWIYY

ClinVar aggregate classification (germline): Uncertain significance (1 of 4 stars; one submission).

Submission:

Labcorp Genetics (formerly Invitae), Labcorp
Classification: Uncertain significance. Last evaluated: 2024-01-02. Review status: criteria provided, single submitter. Criteria: Invitae Variant Classification Sherloc (09022015). Collection method: clinical testing. Allele origin: germline.
Comment: This sequence change replaces arginine, which is basic and polar, with lysine, which is basic and polar, at codon 156 of the RS1 protein (p.Arg156Lys). This variant is not present in population databases (gnomAD no frequency). This variant has not been reported in the literature in individuals affected with RS1-related conditions. ClinVar contains an entry for this variant (Variation ID: 1463610). Advanced modeling of protein sequence and biophysical properties (such as structural, functional, and spatial information, amino acid conservation, physicochemical variation, residue mobility, and thermodynamic stability) performed at Invitae indicates that this missense variant is not expected to disrupt RS1 protein function with a negative predictive value of 95%. This variant disrupts the p.Arg156 amino acid residue in RS1. Other variant(s) that disrupt this residue have been determined to be pathogenic (PMID: 18369700). This suggests that this residue is clinically significant, and that variants that disrupt this residue are likely to be disease-causing. In summary, the available evidence is currently insufficient to determine the role of this variant in disease. Therefore, it has been classified as a Variant of Uncertain Significance.

Literature cited by the submitters: PubMed 18369700.